The following is an entry in ClinVar:

ClinVar aggregate classification (germline): Uncertain significance (1 of 4 stars; one submission).

Conditions:
SIN3A-related intellectual disability syndrome due to a point mutation. Also called: WITTEVEEN-KOLK SYNDROME; 15q24 Microdeletion Syndrome. Identifiers: Orphanet 500166, Orphanet 94065, MedGen C4310804, MONDO:0044700, OMIM 613406.

Submission:

Baylor Genetics
Classification: Uncertain significance for SIN3A-related intellectual disability syndrome due to a point mutation. Last evaluated: 2020-02-17. Review status: criteria provided, single submitter. Criteria: ACMG Guidelines, 2015. Collection method: clinical testing. Allele origin: unknown. Affected: yes.
Comment: This variant was determined to be of uncertain significance according to ACMG Guidelines, 2015 [PMID:25741868].

NM_001145358.2(SIN3A):c.776A>C (p.His259Pro)

Gene: SIN3A (SIN3 transcription regulator family member A; minus strand). Cytogenetic location: 15q24.2.
Variant type: single nucleotide variant.
Coding change: c.776A>C on transcript NM_001145358.2 (MANE Select); coding-DNA position 776, A replaced by C.
Protein change: p.His259Pro; replaces histidine 259 with proline.
Molecular consequence: missense variant.
Genome position (GRCh38, 1-based): chr15:75,411,724, T>G on the plus strand (A>C on the coding strand, the complement: SIN3A is on the minus strand). VCF-style: chr15-75411724-T-G. GRCh37 (hg19) VCF-style: chr15-75704065-T-G.
Other names: c.776A>C, p.His259Pro (NM_001145357.2, NM_015477.3); short protein forms H259P.
Identifiers: ClinVar variation 1031168 (VCV001031168.1), dbSNP rs1180165033, ClinGen allele CA393448346.